The following is an entry in ClinVar:

ClinVar aggregate classification (germline): Uncertain significance (1 of 4 stars; one submission).

Conditions:
Intellectual disability, autosomal recessive 53 (NEDHSCA). Also called: GLYCOSYLPHOSPHATIDYLINOSITOL BIOSYNTHESIS DEFECT 13; Mental retardation, autosomal recessive 53; NEURODEVELOPMENTAL DISORDER WITH OR WITHOUT HYPOTONIA, SEIZURES, AND CEREBELLAR ATROPHY. Identifiers: Orphanet 488635, MedGen C4310794, MONDO:0014832, OMIM 616917.

Allele frequency attached by ClinVar (database versions not stated): gnomAD 0.00001; TOPMed 0.00002.
gnomAD v4.1: 9 of 1,613,970 alleles (0.00056%); highest among the groups gnomAD compares: African/African-American, 0.0053%; no homozygotes.

Submission:

Labcorp Genetics (formerly Invitae), Labcorp
Classification: Uncertain significance for Intellectual disability, autosomal recessive 53. Last evaluated: 2024-11-11. Review status: criteria provided, single submitter. Criteria: Invitae Variant Classification Sherloc (09022015). Collection method: clinical testing. Allele origin: germline.
Comment: This sequence change replaces valine, which is neutral and non-polar, with alanine, which is neutral and non-polar, at codon 356 of the PIGG protein (p.Val356Ala). This variant is present in population databases (no rsID available, gnomAD 0.01%). This variant has not been reported in the literature in individuals affected with PIGG-related conditions. ClinVar contains an entry for this variant (Variation ID: 2156233). Invitae Evidence Modeling of protein sequence and biophysical properties (such as structural, functional, and spatial information, amino acid conservation, physicochemical variation, residue mobility, and thermodynamic stability) has been performed for this missense variant. However, the output from this modeling did not meet the statistical confidence thresholds required to predict the impact of this variant on PIGG protein function. In summary, the available evidence is currently insufficient to determine the role of this variant in disease. Therefore, it has been classified as a Variant of Uncertain Significance.

NM_001127178.3(PIGG):c.1067T>C (p.Val356Ala)

Gene: PIGG (phosphatidylinositol glycan anchor biosynthesis class G (EMM blood group); plus strand). Cytogenetic location: 4p16.3.
Variant type: single nucleotide variant.
Coding change: c.1067T>C on transcript NM_001127178.3 (MANE Select); coding-DNA position 1067, T replaced by C.
Protein change: p.Val356Ala; replaces valine 356 with alanine.
Molecular consequence: missense variant. On other transcripts: 5 prime UTR variant (3), non-coding transcript variant (10).
Genome position (GRCh38, 1-based): chr4:516,138, T>C. VCF-style: chr4-516138-T-C. GRCh37 (hg19) VCF-style: chr4-509927-T-C.
Other names: c.800T>C, p.Val267Ala (NM_001289051.2, NM_001289053.2, NM_001289057.2 and 2 more transcripts); c.668T>C, p.Val223Ala (NM_001289052.2); c.701T>C, p.Val234Ala (NM_001289055.2); c.38T>C, p.Val13Ala (NM_001345988.2); c.1067T>C, p.Val356Ala (NM_001345989.2, NM_017733.5); c.-559T>C (NM_001345990.2); c.-421T>C (NM_001345991.2); c.-146T>C (NM_001345994.2); short protein forms V13A, V356A, V223A, V234A, V267A.
Identifiers: ClinVar variation 2156233 (VCV002156233.3), dbSNP rs984928189, ClinGen allele CA91057108.
Genomic context (GRCh38, chr4:516,138, plus strand): 5'-TCCCAGTTGTGGAAGGAAGACCAATGAGAGAGCAGTTGAGATTTTTACATTTGAATACAG[T>C]GCAGCTTAGTAAACTGTTGCAAGAGAATGTGCCGTCATATGAAAAAGGTCAGTCAACTCA-3'
Protein context (NP_001120650.1, residues 346-366): EQLRFLHLNT[Val356Ala]QLSKLLQENV